The following is an entry in ClinVar:

ClinVar aggregate classification (germline): Uncertain significance (1 of 4 stars; one submission).

Conditions:
Hereditary cancer-predisposing syndrome. Also called: Neoplastic Syndromes, Hereditary; Tumor predisposition; Hereditary Cancer Syndrome; Hereditary neoplastic syndrome. Identifiers: Orphanet 140162, MedGen C0027672, MeSH D009386, MONDO:0015356.

Submission:

Ambry Genetics
Classification: Uncertain significance for Hereditary cancer-predisposing syndrome. Last evaluated: 2021-02-16. Review status: criteria provided, single submitter. Criteria: Ambry Variant Classification Scheme 2023. Collection method: clinical testing. Allele origin: germline.
Comment: The p.D694Y variant (also known as c.2080G>T), located in coding exon 12 of the PMS2 gene, results from a G to T substitution at nucleotide position 2080. The aspartic acid at codon 694 is replaced by tyrosine, an amino acid with highly dissimilar properties. This amino acid position is highly conserved in available vertebrate species. In addition, this alteration is predicted to be deleterious by in silico analysis. Since supporting evidence is limited at this time, the clinical significance of this alteration remains unclear.

NM_000535.7(PMS2):c.2080G>T (p.Asp694Tyr)

Gene: PMS2 (PMS1 homolog 2, mismatch repair system component; minus strand). Cytogenetic location: 7p22.1.
Variant type: single nucleotide variant.
Coding change: c.2080G>T on transcript NM_000535.7 (MANE Select); coding-DNA position 2080, G replaced by T.
Protein change: p.Asp694Tyr; replaces aspartic acid 694 with tyrosine.
Molecular consequence: missense variant. On other transcripts: non-coding transcript variant (1).
Genome position (GRCh38, 1-based): chr7:5,982,918, C>A on the plus strand (G>T on the coding strand, the complement: PMS2 is on the minus strand). VCF-style: chr7-5982918-C-A. GRCh37 (hg19) VCF-style: chr7-6022549-C-A.
Other names: c.1675G>T, p.Asp559Tyr (NM_001018040.1, NM_001322003.2, NM_001322004.2 and 15 more transcripts); c.1924G>T, p.Asp642Tyr (NM_001322006.2, NM_001406870.1); c.1762G>T, p.Asp588Tyr (NM_001322007.2, NM_001322008.2, NM_001406876.1 and 1 more transcripts); c.1519G>T, p.Asp507Tyr (NM_001322010.2, NM_001406906.1, NM_001406907.1); c.1147G>T, p.Asp383Tyr (NM_001322011.2, NM_001322012.2); c.1507G>T, p.Asp503Tyr (NM_001322013.2, NM_001406909.1); c.2080G>T, p.Asp694Tyr (NM_001322014.2, NM_001406871.1); c.1771G>T, p.Asp591Tyr (NM_001322015.2, NM_001406875.1, NM_001406877.1 and 5 more transcripts); and 13 more; short protein forms D503Y, D586Y, D588Y, D638Y, D702Y, D383Y, D536Y, D539Y.
Identifiers: ClinVar variation 1785560 (VCV001785560.2), dbSNP rs766478637, ClinGen allele CA366738043.